The following is an entry in ClinVar:

NM_002894.3(RBBP8):c.1834A>G (p.Ile612Val)

Gene: RBBP8 (RB binding protein 8, endonuclease; plus strand). Cytogenetic location: 18q11.2.
Variant type: single nucleotide variant.
Coding change: c.1834A>G on transcript NM_002894.3 (MANE Select); coding-DNA position 1834, A replaced by G.
Protein change: p.Ile612Val; replaces isoleucine 612 with valine.
Molecular consequence: missense variant.
Genome position (GRCh38, 1-based): chr18:22,993,742, A>G. VCF-style: chr18-22993742-A-G. GRCh37 (hg19) VCF-style: chr18-20573705-A-G.
Other names: c.1834A>G, p.Ile612Val (NM_203291.2, NM_203292.2); short protein forms I612V.
Identifiers: ClinVar variation 3714319 (VCV003714319.2).
Genomic context (GRCh38, chr18:22,993,742, plus strand): 5'-TGTGATTTCATTTAGAGCTAACAATTATTTCTGTTTTAGAGTGCTGGTTCTCATGAGCCA[A>G]TAAAAATACAAACCAGGTCAGACCATGGAGGATGTGAACTTGCATCAGTTCTTCAGTTAA-3'
Protein context (NP_002885.1, residues 602-622): DIKSAGSHEP[Ile612Val]KIQTRSDHGG

ClinVar aggregate classification (germline): Uncertain significance (1 of 4 stars; one submission).

gnomAD v4.1: 14 of 1,614,046 alleles (0.00087%); highest among the groups gnomAD compares: African/African-American, 0.0013%; no homozygotes.

Submission:

Labcorp Genetics (formerly Invitae), Labcorp
Classification: Uncertain significance. Last evaluated: 2024-02-06. Review status: criteria provided, single submitter. Criteria: Invitae Variant Classification Sherloc (09022015). Collection method: clinical testing. Allele origin: germline.
Comment: This sequence change replaces isoleucine, which is neutral and non-polar, with valine, which is neutral and non-polar, at codon 612 of the RBBP8 protein (p.Ile612Val). This variant is present in population databases (rs768485436, gnomAD 0.004%). This variant has not been reported in the literature in individuals affected with RBBP8-related conditions. Advanced modeling of protein sequence and biophysical properties (such as structural, functional, and spatial information, amino acid conservation, physicochemical variation, residue mobility, and thermodynamic stability) performed at Invitae indicates that this missense variant is not expected to disrupt RBBP8 protein function with a negative predictive value of 80%. In summary, the available evidence is currently insufficient to determine the role of this variant in disease. Therefore, it has been classified as a Variant of Uncertain Significance.